The following is an entry in ClinVar:

ClinVar aggregate classification (germline): Conflicting classifications of pathogenicity. Review status: criteria provided, conflicting classifications (1 of 4 stars). 4 submissions from 4 submitters: Uncertain significance (1); Benign (1); Likely benign (2). Last evaluated 2025-03-25.

Conditions:
Hereditary cancer-predisposing syndrome. Also called: Neoplastic Syndromes, Hereditary; Hereditary neoplastic syndrome; Tumor predisposition; Hereditary Cancer Syndrome. Identifiers: Orphanet 140162, MedGen C0027672, MeSH D009386, MONDO:0015356.
Peutz-Jeghers syndrome (PJS). Also called: Peutz-Jeghers polyposis; Periorificial lentiginosis syndrome; POLYPOSIS, HAMARTOMATOUS INTESTINAL; POLYPS-AND-SPOTS SYNDROME. Identifiers: Orphanet 2869, MedGen C0031269, MeSH D010580, MONDO:0008280, OMIM 175200.

Allele frequency attached by ClinVar (database versions not stated): gnomAD 0.00001.
gnomAD v4.1: 1 of 1,611,524 alleles (0.000062%); highest among the groups gnomAD compares: Admixed American, 0.0017%; no homozygotes.

Submissions (4):

Myriad Genetics, Inc.
Classification: Benign for Peutz-Jeghers syndrome. Last evaluated: 2025-03-25. Review status: criteria provided, single submitter. Criteria: Myriad Autosomal Dominant, Autosomal Recessive and X-Linked Classification Criteria (2023). Collection method: clinical testing. Allele origin: unknown.
Comment: This variant is considered benign. This variant is a silent/synonymous amino acid change and it is not expected to impact splicing.

Labcorp Genetics (formerly Invitae), Labcorp
Classification: Likely benign for Peutz-Jeghers syndrome. Last evaluated: 2025-01-06. Review status: criteria provided, single submitter. Criteria: Invitae Variant Classification Sherloc (09022015). Collection method: clinical testing. Allele origin: germline.

Quest Diagnostics Nichols Institute San Juan Capistrano
Classification: Uncertain significance. Last evaluated: 2024-11-29. Review status: criteria provided, single submitter. Criteria: Quest Diagnostics criteria. Collection method: clinical testing. Allele origin: unknown.
Comment: The STK11 c.252G>A (p.Lys84=) synonymous variant has not been reported in individuals with STK11-related conditions in the published literature. The frequency of this variant in the general population, 0.000032 (1/31390 chromosomes (Genome Aggregation Database)), is uninformative in the assessment of its pathogenicity. Analysis of this variant using software algorithms for the prediction of the effect of nucleotide changes on splicing yielded predictions that this variant does not affect STK11 mRNA splicing. Based on the available information, we are unable to determine the clinical significance of this variant.

Ambry Genetics
Classification: Likely benign for Hereditary cancer-predisposing syndrome. Last evaluated: 2018-06-06. Review status: criteria provided, single submitter. Criteria: Ambry Variant Classification Scheme 2023. Collection method: clinical testing. Allele origin: germline.

NM_000455.5(STK11):c.252G>A (p.Lys84=)

Gene: STK11 (serine/threonine kinase 11; plus strand). Cytogenetic location: 19p13.3.
Variant type: single nucleotide variant.
Coding change: c.252G>A on transcript NM_000455.5 (MANE Select); coding-DNA position 252, G replaced by A.
Protein change: p.Lys84=; no amino-acid change (lysine 84 retained).
Molecular consequence: synonymous variant.
Genome position (GRCh38, 1-based): chr19:1,207,165, G>A. VCF-style: chr19-1207165-G-A. GRCh37 (hg19) VCF-style: chr19-1207164-G-A.
Identifiers: ClinVar variation 792596 (VCV000792596.16), dbSNP rs1320808027, ClinGen allele CA504706323.